The following is an entry in ClinVar:

NM_000492.4(CFTR):c.3139+1G>A

Genes: CFTR (CF transmembrane conductance regulator; plus strand), CFTR-AS2 (CFTR antisense RNA 2; minus strand), LOC111674472 (DNase I hypersensitive sites in introns 16 and 17a of CFTR; plus strand). Cytogenetic location: 7q31.2.
Variant type: single nucleotide variant.
Coding change: c.3139+1G>A on transcript NM_000492.4 (MANE Select); the canonical splice donor site of the intron after coding-DNA position 3139, G replaced by A.
Molecular consequence: splice donor variant.
Genome position (GRCh38, 1-based): chr7:117,610,670, G>A. VCF-style: chr7-117610670-G-A. GRCh37 (hg19) VCF-style: chr7-117250724-G-A.
Identifiers: ClinVar variation 53657 (VCV000053657.2), dbSNP rs397508503, ClinGen allele CA327054.

ClinVar aggregate classification (germline): Pathogenic. Review status: criteria provided, multiple submitters, no conflicts (2 of 4 stars). 2 submissions from 2 submitters: Pathogenic (2). Last evaluated 2025-06-16.

Conditions:
CFTR-related disorder (CFTR-RD). Also called: CFTR-related condition; CFTR-related disorders. Identifiers: MedGen C5924204, MONDO:7770004.
Cystic fibrosis (CF). Also called: MUCOVISCIDOSIS. Identifiers: Orphanet 586, MedGen C0010674, MONDO:0009061, OMIM 219700. Disease mechanism: loss of function.

Allele frequency attached by ClinVar (database versions not stated): gnomAD exomes below 0.00001.
gnomAD v4.1: 1 of 1,613,092 alleles (0.000062%); highest among the groups gnomAD compares: Non-Finnish European, 0.000085%; no homozygotes.

Submissions (2):

Natera, Inc.
Classification: Pathogenic for CFTR-related disorders. Last evaluated: 2025-06-16. Review status: criteria provided, single submitter. Criteria: Natera Variant Classification Schema (03/2026). Collection method: clinical testing. Allele origin: germline.
Comment: The c.3139+1G>A variant in CFTR is a canonical splice donor site variant predicted to affect pre-mRNA splicing, which may result in an abnormal transcript and altered protein product. This variant is expected to result in nonsense mediated decay, truncation, or a dysfunctional protein product. This variant is rare in the general population with a frequency below the threshold expected for the associated phenotype(s). This variant has been observed in one or more individuals affected with the associated recessive disease, as either homozygous or compound heterozygous with a second variant (PMID: 7530553, 37678334). Given the available evidence, this variant is classified as Pathogenic.

CFTR-France
Classification: Pathogenic for cystic fibrosis. Last evaluated: 2018-01-29. Review status: criteria provided, single submitter. Criteria: Claustres M et al. (Hum Mutat 2017). Collection method: curation. Allele origin: germline. Affected: yes.

Literature cited by the submitters: PubMed 7530553 (cited by Natera, Inc.); PubMed 37678334 (cited by Natera, Inc.).